The following is an entry in ClinVar:

NM_000388.4(CASR):c.2807T>A (p.Leu936Gln)

Gene: CASR (calcium sensing receptor; plus strand). Cytogenetic location: 3q21.1.
Variant type: single nucleotide variant.
Coding change: c.2807T>A on transcript NM_000388.4 (MANE Select); coding-DNA position 2807, T replaced by A.
Protein change: p.Leu936Gln; replaces leucine 936 with glutamine.
Molecular consequence: missense variant.
Genome position (GRCh38, 1-based): chr3:122,284,761, T>A. VCF-style: chr3-122284761-T-A. GRCh37 (hg19) VCF-style: chr3-122003608-T-A.
Other names: c.2837T>A, p.Leu946Gln (NM_001178065.2); short protein forms L946Q, L936Q.
Identifiers: ClinVar variation 836799 (VCV000836799.10), dbSNP rs1379368670, ClinGen allele CA354160813.

ClinVar aggregate classification (germline): Uncertain significance (1 of 4 stars; one submission).

Conditions:
Autosomal dominant hypocalcemia 1 (HYPOC1). Also called: HYPOCALCEMIA, FAMILIAL. Identifiers: MedGen C3715128, MONDO:0011013, OMIM 601198.
Familial hypocalciuric hypercalcemia (FHH). Also called: Familial benign hypercalcemia. Identifiers: Orphanet 405, MedGen C1809471, MONDO:0018458.

Allele frequency attached by ClinVar (database versions not stated): TOPMed below 0.00001; gnomAD 0.00001.
gnomAD v4.1: 1 of 1,613,978 alleles (0.000062%); no homozygotes.

Submission:

Labcorp Genetics (formerly Invitae), Labcorp
Classification: Uncertain significance for Familial hypocalciuric hypercalcemia; Autosomal dominant hypocalcemia 1. Last evaluated: 2019-12-04. Review status: criteria provided, single submitter. Criteria: Invitae Variant Classification Sherloc (09022015). Collection method: clinical testing. Allele origin: germline.
Comment: In summary, the available evidence is currently insufficient to determine the role of this variant in disease. Therefore, it has been classified as a Variant of Uncertain Significance. Algorithms developed to predict the effect of missense changes on protein structure and function are either unavailable or do not agree on the potential impact of this missense change (SIFT: "Deleterious"; PolyPhen-2: "Benign"; Align-GVGD: "Class C0"). This variant has not been reported in the literature in individuals with CASR-related conditions. This variant is not present in population databases (ExAC no frequency). This sequence change replaces leucine with glutamine at codon 936 of the CASR protein (p.Leu936Gln). The leucine residue is moderately conserved and there is a moderate physicochemical difference between leucine and glutamine.